The following is an entry in ClinVar:

ClinVar aggregate classification (germline): Uncertain significance. Review status: criteria provided, multiple submitters, no conflicts (2 of 4 stars). 2 submissions from 2 submitters: Uncertain significance (2). Last evaluated 2025-11-16.

Conditions:
Inborn genetic diseases. Identifiers: MedGen C0950123, MeSH D030342.

Allele frequency attached by ClinVar (database versions not stated): TOPMed 0.00007; ESP Exome Variant Server 0.00015; gnomAD exomes 0.00016; ExAC 0.00023; gnomAD 0.00023.
gnomAD v4.1: 270 of 1,605,654 alleles (0.017%); highest among the groups gnomAD compares: Non-Finnish European, 0.015%; no homozygotes.

Submissions (2):

Labcorp Genetics (formerly Invitae), Labcorp
Classification: Uncertain significance. Last evaluated: 2025-11-16. Review status: criteria provided, single submitter. Criteria: Invitae Variant Classification Sherloc (09022015). Collection method: clinical testing. Allele origin: germline.
Comment: This sequence change replaces valine, which is neutral and non-polar, with isoleucine, which is neutral and non-polar, at codon 199 of the FNIP1 protein (p.Val199Ile). This variant is present in population databases (rs138285216, gnomAD 0.1%). This variant has not been reported in the literature in individuals affected with FNIP1-related conditions. ClinVar contains an entry for this variant (Variation ID: 2187468). An algorithm developed to predict the effect of missense changes on protein structure and function (PolyPhen-2) suggests that this variant is likely to be tolerated. In summary, the available evidence is currently insufficient to determine the role of this variant in disease. Therefore, it has been classified as a Variant of Uncertain Significance.

Ambry Genetics
Classification: Uncertain significance for Inborn genetic diseases. Last evaluated: 2025-09-29. Review status: criteria provided, single submitter. Criteria: Ambry Variant Classification Scheme 2023. Collection method: clinical testing. Allele origin: germline.

NM_133372.3(FNIP1):c.595G>A (p.Val199Ile)

Gene: FNIP1 (folliculin interacting protein 1; minus strand). Cytogenetic location: 5q31.1.
Variant type: single nucleotide variant.
Coding change: c.595G>A on transcript NM_133372.3 (MANE Select); coding-DNA position 595, G replaced by A.
Protein change: p.Val199Ile; replaces valine 199 with isoleucine.
Molecular consequence: missense variant.
Genome position (GRCh38, 1-based): chr5:131,716,592, C>T on the plus strand (G>A on the coding strand, the complement: FNIP1 is on the minus strand). VCF-style: chr5-131716592-C-T. GRCh37 (hg19) VCF-style: chr5-131052285-C-T.
Other names: c.595G>A (NM_133372.2); c.595G>A, p.Val199Ile (NM_001008738.3, NM_001346113.2); c.460G>A, p.Val154Ile (NM_001346114.2); short protein forms V154I, V199I.
Identifiers: ClinVar variation 2187468 (VCV002187468.5), dbSNP rs138285216, ClinGen allele CA3400893.